The following is an entry in ClinVar:

ClinVar aggregate classification (germline): Uncertain significance (1 of 4 stars; one submission).

Allele frequency attached by ClinVar (database versions not stated): gnomAD exomes below 0.00001 and 0.00002; gnomAD 0.00001; TOPMed 0.00001.
gnomAD v4.1: 5 of 1,524,516 alleles (0.00033%); highest among the groups gnomAD compares: Admixed American, 0.0099%; no homozygotes.

Submission:

Labcorp Genetics (formerly Invitae), Labcorp
Classification: Uncertain significance. Last evaluated: 2023-08-04. Review status: criteria provided, single submitter. Criteria: Invitae Variant Classification Sherloc (09022015). Collection method: clinical testing. Allele origin: germline.
Comment: This sequence change replaces arginine, which is basic and polar, with cysteine, which is neutral and slightly polar, at codon 781 of the PDZD7 protein (p.Arg781Cys). This variant is present in population databases (no rsID available, gnomAD 0.008%). This variant has not been reported in the literature in individuals affected with PDZD7-related conditions. ClinVar contains an entry for this variant (Variation ID: 860018). Experimental studies and prediction algorithms are not available or were not evaluated, and the functional significance of this variant is currently unknown. In summary, the available evidence is currently insufficient to determine the role of this variant in disease. Therefore, it has been classified as a Variant of Uncertain Significance.

NM_001195263.2(PDZD7):c.2341C>T (p.Arg781Cys)

Gene: PDZD7 (PDZ domain containing 7; minus strand). Cytogenetic location: 10q24.31.
Variant type: single nucleotide variant.
Coding change: c.2341C>T on transcript NM_001195263.2 (MANE Select); coding-DNA position 2341, C replaced by T.
Protein change: p.Arg781Cys; replaces arginine 781 with cysteine.
Molecular consequence: missense variant.
Genome position (GRCh38, 1-based): chr10:101,010,548, G>A on the plus strand (C>T on the coding strand, the complement: PDZD7 is on the minus strand). VCF-style: chr10-101010548-G-A. GRCh37 (hg19) VCF-style: chr10-102770305-G-A.
Other names: short protein forms R781C.
Identifiers: ClinVar variation 860018 (VCV000860018.6), dbSNP rs1263925793, ClinGen allele CA378224511.